The following is an entry in ClinVar:

NM_020774.4(MIB1):c.2690G>A (p.Cys897Tyr)

Gene: MIB1 (MIB E3 ubiquitin protein ligase 1; plus strand). Cytogenetic location: 18q11.2.
Variant type: single nucleotide variant.
Coding change: c.2690G>A on transcript NM_020774.4 (MANE Select); coding-DNA position 2690, G replaced by A.
Protein change: p.Cys897Tyr; replaces cysteine 897 with tyrosine.
Molecular consequence: missense variant.
Genome position (GRCh38, 1-based): chr18:21,857,154, G>A. VCF-style: chr18-21857154-G-A. GRCh37 (hg19) VCF-style: chr18-19437115-G-A.
Other names: short protein forms C897Y.
Identifiers: ClinVar variation 5024448 (VCV005024448.1).

ClinVar aggregate classification (germline): Uncertain significance (1 of 4 stars; one submission).

Conditions:
Inborn genetic diseases. Identifiers: MedGen C0950123, MeSH D030342.

gnomAD v4.1: 2 of 1,614,126 alleles (0.00012%); highest among the groups gnomAD compares: Non-Finnish European, 0.00017%; no homozygotes.

Submission:

Ambry Genetics
Classification: Uncertain significance for Inborn genetic diseases. Last evaluated: 2026-06-18. Review status: criteria provided, single submitter. Criteria: Ambry Variant Classification Scheme 2023. Collection method: clinical testing. Allele origin: germline.
Comment: The p.C897Y variant (also known as c.2690G>A), located in coding exon 19 of the MIB1 gene, results from a G to A substitution at nucleotide position 2690. The cysteine at codon 897 is replaced by tyrosine, an amino acid with highly dissimilar properties. This amino acid position is conserved. In addition, this alteration is predicted to be deleterious by in silico analysis. Based on the available evidence, the clinical significance of this variant remains unclear.